The following is an entry in ClinVar:

NM_001378457.1(DMXL2):c.6364G>T (p.Gly2122Cys)

Gene: DMXL2 (Dmx like 2; minus strand). Cytogenetic location: 15q21.2.
Variant type: single nucleotide variant.
Coding change: c.6364G>T on transcript NM_001378457.1 (MANE Select); coding-DNA position 6364, G replaced by T.
Protein change: p.Gly2122Cys; replaces glycine 2122 with cysteine.
Molecular consequence: missense variant. On other transcripts: non-coding transcript variant (2).
Genome position (GRCh38, 1-based): chr15:51,480,742, C>A on the plus strand (G>T on the coding strand, the complement: DMXL2 is on the minus strand). VCF-style: chr15-51480742-C-A. GRCh37 (hg19) VCF-style: chr15-51772939-C-A.
Other names: c.6364G>T, p.Gly2122Cys (NM_001174116.3, NM_001378458.1, NM_001378459.1 and 4 more transcripts); c.4456G>T, p.Gly1486Cys (NM_001174117.3); c.4345G>T, p.Gly1449Cys (NM_001378460.1); c.6124G>T, p.Gly2042Cys (NM_001378464.1); short protein forms G1449C, G2042C, G2122C, G1486C.
Identifiers: ClinVar variation 4724582 (VCV004724582.1).

ClinVar aggregate classification (germline): Uncertain significance (1 of 4 stars; one submission).

gnomAD v4.1: 1 of 1,600,710 alleles (0.000062%); highest among the groups gnomAD compares: East Asian, 0.0022%; no homozygotes.

Submission:

Labcorp Genetics (formerly Invitae), Labcorp
Classification: Uncertain significance. Last evaluated: 2025-08-01. Review status: criteria provided, single submitter. Criteria: Invitae Variant Classification Sherloc (09022015). Collection method: clinical testing. Allele origin: germline.
Comment: This sequence change replaces glycine, which is neutral and non-polar, with cysteine, which is neutral and slightly polar, at codon 2122 of the DMXL2 protein (p.Gly2122Cys). The frequency data for this variant in the population databases is considered unreliable, as metrics indicate poor data quality at this position in the gnomAD database. This variant has not been reported in the literature in individuals affected with DMXL2-related conditions. An algorithm developed to predict the effect of missense changes on protein structure and function (PolyPhen-2) suggests that this variant is likely to be disruptive. In summary, the available evidence is currently insufficient to determine the role of this variant in disease. Therefore, it has been classified as a Variant of Uncertain Significance.